The following is an entry in ClinVar:

ClinVar aggregate classification (germline): Likely benign (1 of 4 stars; one submission).

Submission:

GeneDx
Classification: Likely benign. Last evaluated: 2016-08-29. Review status: criteria provided, single submitter. Criteria: GeneDx Variant Classification (06012015). Collection method: clinical testing. Allele origin: germline. Affected: yes.
Comment: This variant is considered likely benign or benign based on one or more of the following criteria: it is a conservative change, it occurs at a poorly conserved position in the protein, it is predicted to be benign by multiple in silico algorithms, and/or has population frequency not consistent with disease.

NM_000077.5(CDKN2A):c.150+20C>G

Gene: CDKN2A (cyclin dependent kinase inhibitor 2A; minus strand). Cytogenetic location: 9p21.3.
Variant type: single nucleotide variant.
Coding change: c.150+20C>G on transcript NM_000077.5 (MANE Select); 20 bases into the intron after coding-DNA position 150, C replaced by G.
Molecular consequence: intron variant. On other transcripts: missense variant (1).
Genome position (GRCh38, 1-based): chr9:21,974,658, G>C on the plus strand (C>G on the coding strand, the complement: CDKN2A is on the minus strand). VCF-style: chr9-21974658-G-C. GRCh37 (hg19) VCF-style: chr9-21974657-G-C.
Other names: c.170C>G, p.Ala57Gly (NM_058197.5); c.-3-3450C>G (NM_001363763.2); c.194-3450C>G (NM_058195.4); c.150+20C>G (NM_001195132.2); short protein forms A57G.
Identifiers: ClinVar variation 388983 (VCV000388983.1), dbSNP rs550846229, ClinGen allele CA16606500.